The following is an entry in ClinVar:

NM_006158.5(NEFL):c.398C>T (p.Ser133Phe)

Gene: NEFL (neurofilament light chain; minus strand). Cytogenetic location: 8p21.2.
Variant type: single nucleotide variant.
Coding change: c.398C>T on transcript NM_006158.5 (MANE Select); coding-DNA position 398, C replaced by T.
Protein change: p.Ser133Phe; replaces serine 133 with phenylalanine.
Molecular consequence: missense variant.
Genome position (GRCh38, 1-based): chr8:24,956,118, G>A on the plus strand (C>T on the coding strand, the complement: NEFL is on the minus strand). VCF-style: chr8-24956118-G-A. GRCh37 (hg19) VCF-style: chr8-24813632-G-A.
Other names: c.398C>T (NM_006158.3); short protein forms S133F.
Identifiers: ClinVar variation 1806906 (VCV001806906.5), dbSNP rs752997070, ClinGen allele CA4681511.

ClinVar aggregate classification (germline): Uncertain significance. Review status: criteria provided, multiple submitters, no conflicts (2 of 4 stars). 3 submissions from 3 submitters: Uncertain significance (3). Last evaluated 2025-04-07.

Conditions:
Inborn genetic diseases. Identifiers: MedGen C0950123, MeSH D030342.
Charcot-Marie-Tooth disease type 2E (CMT2E). Also called: CHARCOT-MARIE-TOOTH NEUROPATHY, TYPE 2E; CHARCOT-MARIE-TOOTH DISEASE, AXONAL, TYPE 2E. Identifiers: Orphanet 99939, MedGen C1843225, MONDO:0011894, OMIM 607684.

Allele frequency attached by ClinVar (database versions not stated): ExAC 0.00002.

Submissions (3):

Ambry Genetics
Classification: Uncertain significance for Inborn genetic diseases. Last evaluated: 2025-04-07. Review status: criteria provided, single submitter. Criteria: Ambry Variant Classification Scheme 2023. Collection method: clinical testing. Allele origin: germline.

Labcorp Genetics (formerly Invitae), Labcorp
Classification: Uncertain significance for Charcot-Marie-Tooth disease type 2E. Last evaluated: 2023-09-23. Review status: criteria provided, single submitter. Criteria: Invitae Variant Classification Sherloc (09022015). Collection method: clinical testing. Allele origin: germline.
Comment: In summary, the available evidence is currently insufficient to determine the role of this variant in disease. Therefore, it has been classified as a Variant of Uncertain Significance. Advanced modeling of protein sequence and biophysical properties (such as structural, functional, and spatial information, amino acid conservation, physicochemical variation, residue mobility, and thermodynamic stability) has been performed at Invitae for this missense variant, however the output from this modeling did not meet the statistical confidence thresholds required to predict the impact of this variant on NEFL protein function. ClinVar contains an entry for this variant (Variation ID: 1806906). This variant has not been reported in the literature in individuals affected with NEFL-related conditions. This variant is present in population databases (rs752997070, gnomAD 0.01%). This sequence change replaces serine, which is neutral and polar, with phenylalanine, which is neutral and non-polar, at codon 133 of the NEFL protein (p.Ser133Phe).

Athena Diagnostics
Classification: Uncertain significance. Last evaluated: 2022-03-04. Review status: criteria provided, single submitter. Criteria: Athena Diagnostics Criteria. Collection method: clinical testing. Allele origin: unknown.